The following is an entry in ClinVar:

NM_153676.4(USH1C):c.1211-1418G>A

Gene: USH1C (USH1 protein network component harmonin; minus strand). Cytogenetic location: 11p15.1.
Variant type: single nucleotide variant.
Coding change: c.1211-1418G>A on transcript NM_153676.4 (MANE Select); 1418 bases into the intron before coding-DNA position 1211, G replaced by A.
Molecular consequence: intron variant.
Genome position (GRCh38, 1-based): chr11:17,517,708, C>T on the plus strand (G>A on the coding strand, the complement: USH1C is on the minus strand). VCF-style: chr11-17517708-C-T. GRCh37 (hg19) VCF-style: chr11-17539255-C-T.
Other names: c.1154-234G>A (NM_001297764.2); c.1211-234G>A (NM_005709.4).
Identifiers: ClinVar variation 678880 (VCV000678880.2), dbSNP rs12271449, ClinGen allele CA218452397.

ClinVar aggregate classification (germline): Likely benign. Review status: criteria provided, multiple submitters, no conflicts (2 of 4 stars). 2 submissions from 2 submitters: Likely benign (2). Last evaluated 2018-06-14.

Allele frequency attached by ClinVar (database versions not stated): 1000 Genomes Project 30x 0.02967; 1000 Genomes Project 0.03095; gnomAD 0.03539 and 0.03545; TOPMed 0.03837.
gnomAD v4.1: 5,399 of 152,228 alleles (3.5%); highest among the groups gnomAD compares: Middle Eastern, 7.1%; 127 homozygotes.

Submissions (2):

GeneDx
Classification: Likely benign. Last evaluated: 2018-06-14. Review status: criteria provided, single submitter. Criteria: GeneDx Variant Classification (06012015). Collection method: clinical testing. Allele origin: germline. Affected: yes.
Comment: This variant is considered likely benign or benign based on one or more of the following criteria: it is a conservative change, it occurs at a poorly conserved position in the protein, it is predicted to be benign by multiple in silico algorithms, and/or has population frequency not consistent with disease.

Breakthrough Genomics
Classification: Likely benign. Review status: criteria provided, single submitter. Criteria: ACMG Guidelines, 2015. Collection method: not provided. Allele origin: germline. Inheritance: Autosomal recessive inheritance. Affected: yes.